The following is an entry in ClinVar:

NM_000553.6(WRN):c.2006A>G (p.Glu669Gly)

Gene: WRN (WRN RecQ like helicase; plus strand). Cytogenetic location: 8p12.
Variant type: single nucleotide variant.
Coding change: c.2006A>G on transcript NM_000553.6 (MANE Select); coding-DNA position 2006, A replaced by G.
Protein change: p.Glu669Gly; replaces glutamic acid 669 with glycine.
Molecular consequence: missense variant.
Genome position (GRCh38, 1-based): chr8:31,100,873, A>G. VCF-style: chr8-31100873-A-G. GRCh37 (hg19) VCF-style: chr8-30958389-A-G.
Other names: short protein forms E669G.
Identifiers: ClinVar variation 954743 (VCV000954743.5), dbSNP rs1814196046, ClinGen allele CA370908317.

ClinVar aggregate classification (germline): Uncertain significance (1 of 4 stars; one submission).

Conditions:
Werner syndrome (WRN). Identifiers: Orphanet 902, MedGen C0043119, MONDO:0010196, OMIM 277700.

Submission:

Labcorp Genetics (formerly Invitae), Labcorp
Classification: Uncertain significance for Werner syndrome. Last evaluated: 2024-05-29. Review status: criteria provided, single submitter. Criteria: Invitae Variant Classification Sherloc (09022015). Collection method: clinical testing. Allele origin: germline.
Comment: This sequence change replaces glutamic acid, which is acidic and polar, with glycine, which is neutral and non-polar, at codon 669 of the WRN protein (p.Glu669Gly). This variant is not present in population databases (gnomAD no frequency). This variant has not been reported in the literature in individuals affected with WRN-related conditions. ClinVar contains an entry for this variant (Variation ID: 954743). An algorithm developed to predict the effect of missense changes on protein structure and function (PolyPhen-2) suggests that this variant is likely to be disruptive. In summary, the available evidence is currently insufficient to determine the role of this variant in disease. Therefore, it has been classified as a Variant of Uncertain Significance.